The following is an entry in ClinVar:

NM_020937.4(FANCM):c.2999C>G (p.Pro1000Arg)

Gene: FANCM (FA complementation group M; plus strand). Cytogenetic location: 14q21.2.
Variant type: single nucleotide variant.
Coding change: c.2999C>G on transcript NM_020937.4 (MANE Select); coding-DNA position 2999, C replaced by G.
Protein change: p.Pro1000Arg; replaces proline 1000 with arginine.
Molecular consequence: missense variant.
Genome position (GRCh38, 1-based): chr14:45,175,753, C>G. VCF-style: chr14-45175753-C-G. GRCh37 (hg19) VCF-style: chr14-45644956-C-G.
Other names: c.2921C>G, p.Pro974Arg (NM_001308133.2); short protein forms P1000R, P974R.
Identifiers: ClinVar variation 961461 (VCV000961461.18), dbSNP rs751314954, ClinGen allele CA7169445.
Genomic context (GRCh38, chr14:45,175,753, plus strand): 5'-ACTCATTGACAAAAGAGGTACTAGCTAATGTAGAGAGATTTTTATCTTATTCTCCTCCGC[C>G]TCTCAGTGGACTCTCAGACTTGGAATATGAAATTGCTAAGGGTACTGCACTTGAGAATTT-3'
Protein context (NP_065988.1, residues 990-1010): VERFLSYSPP[Pro1000Arg]LSGLSDLEYE

ClinVar aggregate classification (germline): Uncertain significance. Review status: criteria provided, multiple submitters, no conflicts (2 of 4 stars). 7 submissions from 7 submitters: Uncertain significance (7). Last evaluated 2025-10-23.

Conditions:
FANCM-related disorder. Also called: FANCM-related condition.
Spermatogenic failure 28. Identifiers: MedGen C4748117, MONDO:0054732, OMIM 618086.
Premature ovarian failure 15. Identifiers: MedGen C4748170, MONDO:0054862, OMIM 618096.
Fanconi anemia (FA). Also called: Fanconi's anemia. Identifiers: Orphanet 84, MedGen C0015625, MeSH D005199, MONDO:0019391.
Inborn genetic diseases. Identifiers: MedGen C0950123, MeSH D030342.

Allele frequency attached by ClinVar (database versions not stated): gnomAD 0.00001; ExAC 0.00004; TOPMed 0.00004; gnomAD exomes 0.00008.
gnomAD v4.1: 29 of 1,613,554 alleles (0.0018%); highest among the groups gnomAD compares: Admixed American, 0.047%; 1 homozygote.

Submissions (7):

PreventionGenetics, part of Exact Sciences
Classification: Uncertain significance for FANCM-related condition. Last evaluated: 2025-10-23. Review status: criteria provided, single submitter. Criteria: ACMG Guidelines, 2015. Collection method: clinical testing. Allele origin: germline.
Comment: The FANCM c.2999C>G variant is predicted to result in the amino acid substitution p.Pro1000Arg. To our knowledge, this variant has not been reported in the literature. This variant is reported in 0.058% of alleles in individuals of Latino descent in gnomAD. Although we suspect that this variant may be benign, at this time, the clinical significance of this variant is uncertain due to the absence of conclusive functional and genetic evidence.

Quest Diagnostics Nichols Institute San Juan Capistrano
Classification: Uncertain significance. Last evaluated: 2025-05-02. Review status: criteria provided, single submitter. Criteria: Quest Diagnostics criteria. Collection method: clinical testing. Allele origin: unknown.
Comment: The FANCM c.2999C>G (p.Pro1000Arg) variant has not been reported in individuals with FANCM-related conditions in the published literature. The frequency of this variant in the general population (Genome Aggregation Database) is uninformative in the assessment of its pathogenicity. Analysis of this variant using bioinformatics tools for the prediction of the effect of amino acid changes on protein structure and function yielded conflicting predictions that this variant is benign or damaging. Based on the available information, we are unable to determine the clinical significance of this variant.

GeneDx
Classification: Uncertain significance. Last evaluated: 2025-01-22. Review status: criteria provided, single submitter. Criteria: GeneDx Variant Classification Process June 2021. Collection method: clinical testing. Allele origin: germline.
Comment: In silico analysis supports that this missense variant has a deleterious effect on protein structure/function; Has not been previously published as pathogenic or benign to our knowledge

Ambry Genetics
Classification: Uncertain significance for Inborn genetic diseases. Last evaluated: 2024-10-02. Review status: criteria provided, single submitter. Criteria: Ambry Variant Classification Scheme 2023. Collection method: clinical testing. Allele origin: germline.
Comment: The p.P1000R variant (also known as c.2999C>G), located in coding exon 14 of the FANCM gene, results from a C to G substitution at nucleotide position 2999. The proline at codon 1000 is replaced by arginine, an amino acid with dissimilar properties. This amino acid position is conserved. In addition, this alteration is predicted to be tolerated by in silico analysis. Based on the available evidence, the clinical significance of this variant remains unclear.

Labcorp Genetics (formerly Invitae), Labcorp
Classification: Uncertain significance for Fanconi anemia. Last evaluated: 2024-01-05. Review status: criteria provided, single submitter. Criteria: Invitae Variant Classification Sherloc (09022015). Collection method: clinical testing. Allele origin: germline.
Comment: This sequence change replaces proline, which is neutral and non-polar, with arginine, which is basic and polar, at codon 1000 of the FANCM protein (p.Pro1000Arg). This variant is present in population databases (rs751314954, gnomAD 0.06%). This variant has not been reported in the literature in individuals affected with FANCM-related conditions. ClinVar contains an entry for this variant (Variation ID: 961461). An algorithm developed to predict the effect of missense changes on protein structure and function (PolyPhen-2) suggests that this variant is likely to be disruptive. In summary, the available evidence is currently insufficient to determine the role of this variant in disease. Therefore, it has been classified as a Variant of Uncertain Significance.

Fulgent Genetics
Classification: Uncertain significance for Spermatogenic failure 28; Premature ovarian failure 15. Last evaluated: 2022-04-14. Review status: criteria provided, single submitter. Criteria: ACMG Guidelines, 2015. Collection method: clinical testing. Allele origin: unknown.

Revvity Omics, Revvity
Classification: Uncertain significance. Last evaluated: 2019-06-19. Review status: criteria provided, single submitter. Criteria: ACMG Guidelines, 2015. Collection method: clinical testing. Allele origin: germline.